The following is an entry in ClinVar:

NM_025074.7(FRAS1):c.4940C>T (p.Thr1647Ile)

Gene: FRAS1 (Fraser extracellular matrix complex subunit 1; plus strand). Cytogenetic location: 4q21.21.
Variant type: single nucleotide variant.
Coding change: c.4940C>T on transcript NM_025074.7 (MANE Select); coding-DNA position 4940, C replaced by T.
Protein change: p.Thr1647Ile; replaces threonine 1647 with isoleucine.
Molecular consequence: missense variant.
Genome position (GRCh38, 1-based): chr4:78,430,388, C>T. VCF-style: chr4-78430388-C-T. GRCh37 (hg19) VCF-style: chr4-79351542-C-T.
Other names: p.Thr1647Ile; c.4940C>T, p.Thr1647Ile (NM_001166133.2); short protein forms T1647I.
Identifiers: ClinVar variation 349720 (VCV000349720.18), dbSNP rs34271211, ClinGen allele CA2977368.
Genomic context (GRCh38, chr4:78,430,388, plus strand): 5'-CCAAAGAACTCTTCTTTGAGCTTCGGAGACCTCCACAGCATGGTGTGCTTCTTAAGCATA[C>T]AGCTGAGTTCCGAAGGCCGATGGCCACAGGTAGCTACACACCTACACACTCTGTCACTGA-3'
Protein context (NP_079350.5, residues 1637-1657): PPQHGVLLKH[Thr1647Ile]AEFRRPMATG

ClinVar aggregate classification (germline): Benign/Likely benign. Review status: criteria provided, multiple submitters, no conflicts (2 of 4 stars). 7 submissions from 7 submitters: Benign (4); Likely benign (1). 2 of the submissions do not count toward it. Last evaluated 2026-01-31.

Conditions:
Fraser syndrome 1 (FRASRS1). Also called: CRYPTOPHTHALMOS WITH OTHER MALFORMATIONS. Identifiers: Orphanet 2052, MedGen C4551480, MONDO:0054737, OMIM 219000.

Allele frequency attached by ClinVar (database versions not stated): gnomAD exomes 0.00081 and 0.00208; ExAC 0.00283; 1000 Genomes Project 0.00819; gnomAD 0.00837 and 0.00909; 1000 Genomes Project 30x 0.00859; TOPMed 0.00976; ESP Exome Variant Server 0.01006.
gnomAD v4.1: 2,520 of 1,613,560 alleles (0.16%); highest among the groups gnomAD compares: African/African-American, 3%; 35 homozygotes.

Submissions (7):

Labcorp Genetics (formerly Invitae), Labcorp
Classification: Benign. Last evaluated: 2026-01-31. Review status: criteria provided, single submitter. Criteria: Invitae Variant Classification Sherloc (09022015). Collection method: clinical testing. Allele origin: germline.

Mayo Clinic Laboratories, Mayo Clinic
Classification: Benign. Last evaluated: 2024-09-17. Review status: criteria provided, single submitter. Criteria: ACMG Guidelines, 2015. Collection method: clinical testing. Allele origin: germline. Observed: 1 variant allele.
Comment: BS1, BS2, BP4

Fulgent Genetics
Classification: Likely benign for Fraser syndrome 1. Last evaluated: 2021-09-29. Review status: criteria provided, single submitter. Criteria: ACMG Guidelines, 2015. Collection method: clinical testing. Allele origin: unknown.

Illumina Laboratory Services, Illumina
Classification: Benign for Fraser syndrome 1. Last evaluated: 2018-01-13. Review status: criteria provided, single submitter. Criteria: ICSL Variant Classification Criteria 13 December 2019. Collection method: clinical testing. Allele origin: germline.
Comment: This variant was observed in the ICSL laboratory as part of a predisposition screen in an ostensibly healthy population. It had not been previously curated by ICSL or reported in the Human Gene Mutation Database (HGMD: prior to June 1st, 2018), and was therefore a candidate for classification through an automated scoring system. Utilizing variant allele frequency, disease prevalence and penetrance estimates, and inheritance mode, an automated score was calculated to assess if this variant is too frequent to cause the disease. Based on the score and internal cut-off values, a variant classified as benign is not then subjected to further curation. The score for this variant resulted in a classification of benign for this disease.

Breakthrough Genomics
Classification: Benign. Review status: criteria provided, single submitter. Criteria: ACMG Guidelines, 2015. Collection method: not provided. Allele origin: germline. Inheritance: Autosomal recessive inheritance. Affected: yes.

Genome Diagnostics Laboratory, University Medical Center Utrecht
Classification: Benign. Review status: no assertion criteria provided. Collection method: clinical testing. Allele origin: germline. Affected: yes. Study: VKGL Data-share Consensus. Not counted in ClinVar's aggregate classification.

Laboratory of Diagnostic Genome Analysis, Leiden University Medical Center (LUMC)
Classification: Likely benign. Review status: no assertion criteria provided. Collection method: clinical testing. Allele origin: germline. Affected: yes. Study: VKGL Data-share Consensus. Not counted in ClinVar's aggregate classification.